The following is an entry in ClinVar:

ClinVar aggregate classification (germline): Conflicting classifications of pathogenicity. Review status: criteria provided, conflicting classifications (1 of 4 stars). 3 submissions from 3 submitters: Likely pathogenic (1); Uncertain significance (2). Last evaluated 2025-01-16.

Conditions:
Spastic ataxia. Identifiers: Orphanet 316226, MedGen C1849156, MONDO:0017845, HP:0002497.
Mitochondrial disease. Also called: Mitochondrial disorder; Mitochondrial disorders. Identifiers: Orphanet 68380, MedGen C0751651, MeSH D028361, MONDO:0044970.
Leukoencephalopathy with brain stem and spinal cord involvement-high lactate syndrome (LBSL). Also called: LEUKOENCEPHALOPATHY WITH BRAINSTEM AND SPINAL CORD INVOLVEMENT AND LACTATE ELEVATION, MILD; Leukoencephalopathy with Brainstem and Spinal Cord Involvement and Lactate Elevation; MITOCHONDRIAL ASPARTYL-tRNA SYNTHETASE DEFICIENCY. Identifiers: Orphanet 137898, MedGen C1970180, MONDO:0012622, OMIM 611105.

Allele frequency attached by ClinVar (database versions not stated): gnomAD exomes 0.00001; TOPMed below 0.00001; gnomAD 0.00001.
gnomAD v4.1: 13 of 1,613,922 alleles (0.00081%); highest among the groups gnomAD compares: East Asian, 0.0022%; no homozygotes.

Submissions (3):

Broad Center for Mendelian Genomics, Broad Institute of MIT and Harvard
Classification: Uncertain significance for Leukoencephalopathy with brain stem and spinal cord involvement-high lactate syndrome. Last evaluated: 2025-01-16. Review status: criteria provided, single submitter. Criteria: ACMG Guidelines, 2015. Collection method: curation. Allele origin: germline. Inheritance: Autosomal recessive inheritance.
Comment: The p.Ile139Thr variant in DARS2 has been reported in 2 individuals with leukoencephalopathy with brain stem and spinal cord involvement-high lactate syndrome (PMID: 23065766, 33219631), and has been identified in 0.002% (1/44876) of East Asian chromosomes by the Genome Aggregation Database (gnomAD; dbSNP rs1279409996). Although this variant has been seen in the general population in a heterozygous state, its frequency is low enough to be consistent with a recessive carrier frequency. This variant has also been reported in ClinVar (Variation ID: 1027434) and has been interpreted as likely pathogenic by Molecular Medicine for Neurodegenerative and Neuromuscular Diseases Unit (IRCCS Fondazione Stella Maris). Of the 2 affected individuals, 1 was a compound heterozygote that carried a reported pathogenic variant with unknown phase, which increases the likelihood that the p.Ile139Thr variant is pathogenic (Variation ID: 1057; PMID: 23065766). Computational prediction tools and conservation analyses suggest that this variant may impact the protein, though this information is not predictive enough to determine pathogenicity. In summary, the clinical significance of the p.Ile139Thr variant is uncertain. ACMG/AMP Criteria applied: PP3, PM2_supporting, PM3_supporting (Richards 2015).

Department of Pathology and Laboratory Medicine, Sinai Health System
Classification: Uncertain significance for mitochondrial disease. Last evaluated: 2021-11-29. Review status: criteria provided, single submitter. Criteria: ACMG Guidelines, 2015. Collection method: research. Allele origin: germline.

Molecular Medicine for Neurodegenerative and Neuromuscular Diseases Unit, IRCCS Fondazione Stella Maris
Classification: Likely pathogenic for Spastic ataxia. Last evaluated: 2021-07-12. Review status: criteria provided, single submitter. Criteria: ACMG Guidelines, 2015. Collection method: research. Allele origin: unknown. Affected: yes.

NM_018122.5(DARS2):c.416T>C (p.Ile139Thr)

Gene: DARS2 (aspartyl-tRNA synthetase 2, mitochondrial; plus strand). Cytogenetic location: 1q25.1.
Variant type: single nucleotide variant.
Coding change: c.416T>C on transcript NM_018122.5 (MANE Select); coding-DNA position 416, T replaced by C.
Protein change: p.Ile139Thr; replaces isoleucine 139 with threonine.
Molecular consequence: missense variant.
Genome position (GRCh38, 1-based): chr1:173,831,554, T>C. VCF-style: chr1-173831554-T-C. GRCh37 (hg19) VCF-style: chr1-173800692-T-C.
Other names: NM_018122.5(DARS2):c.416T>C; p.Ile139Thr; c.416T>C, p.Ile139Thr (NM_001365212.1, NM_001365213.2); short protein forms I139T.
Identifiers: ClinVar variation 1027434 (VCV001027434.3), dbSNP rs1279409996, ClinGen allele CA343759024.
Genomic context (GRCh38, chr1:173,831,554, plus strand): 5'-TGATGAGTAATTTTTAAAACCCTTCCTTCTCACTCTCCAAGAAAATGCCAACAGGTGAGA[T>C]TGAAATCAAAGTTAAAACAGCTGAGCTTCTGAATGCCTGCAAGAAGCTGCCCTTTGAAAT-3'
Protein context (NP_060592.2, residues 129-149): QENPKMPTGE[Ile139Thr]EIKVKTAELL